The following is an entry in ClinVar:

NM_003227.4(TFR2):c.2067del (p.Gln690fs)

Genes: TFR2 (transferrin receptor 2; minus strand), LOC113687175 (Sharpr-MPRA regulatory region 4647; plus strand). Cytogenetic location: 7q22.1.
Variant type: Deletion.
Coding change: c.2067del on transcript NM_003227.4 (MANE Select); coding-DNA position 2067, one base deleted (G; older notation c.2067delG).
Protein change: p.Gln690fs; shifts the reading frame from glutamine 690.
Molecular consequence: frameshift variant.
Genome position (GRCh38, 1-based): chr7:100,626,832, C deleted on the plus strand (G on the coding strand, the reverse complement: TFR2 is on the minus strand); the first of 2 consecutive C bases (chr7:100,626,832-100,626,833); deleting either gives the same sequence. VCF-style (leftmost placement, unchanged base first): chr7-100626831-GC-G. GRCh37 (hg19) VCF-style: chr7-100224454-GC-G.
Other names: c.1554del, p.Gln519fs (NM_001206855.3); short protein forms Q519fs, Q690fs.
Identifiers: ClinVar variation 4815101 (VCV004815101.1).

ClinVar aggregate classification (germline): Likely pathogenic (1 of 4 stars; one submission).

Conditions:
Hemochromatosis type 3 (HFE3). Also called: HEMOCHROMATOSIS DUE TO DEFECT IN TRANSFERRIN RECEPTOR 2; Hereditary hemochromatosis type 3; TFR2-Related Hemochromatosis. Identifiers: Orphanet 225123, MedGen C1858664, MONDO:0011417, OMIM 604250.

Submission:

Natera, Inc.
Classification: Likely pathogenic for Hereditary hemochromatosis type 3. Last evaluated: 2024-07-25. Review status: criteria provided, single submitter. Criteria: Natera Variant Classification Schema (03/2026). Collection method: clinical testing. Allele origin: germline.
Comment: The c.2067del variant in TFR2 is a frameshift variant predicted to shift the reading frame beginning at codon 690 and leads to a stop codon 13 codons downstream. This variant is expected to result in nonsense mediated decay, truncation, or a dysfunctional protein product. This variant is rare in the general population with a frequency below the threshold expected for the associated phenotype(s). Given the available evidence, this variant is classified as Likely Pathogenic.